The following is an entry in ClinVar:

ClinVar aggregate classification (germline): Uncertain significance (1 of 4 stars; one submission).

Submission:

Labcorp Genetics (formerly Invitae), Labcorp
Classification: Uncertain significance. Last evaluated: 2022-07-26. Review status: criteria provided, single submitter. Criteria: Invitae Variant Classification Sherloc (09022015). Collection method: clinical testing. Allele origin: germline.
Comment: In summary, the available evidence is currently insufficient to determine the role of this variant in disease. Therefore, it has been classified as a Variant of Uncertain Significance. Algorithms developed to predict the effect of missense changes on protein structure and function (SIFT, PolyPhen-2, Align-GVGD) all suggest that this variant is likely to be disruptive. ClinVar contains an entry for this variant (Variation ID: 850800). This variant has not been reported in the literature in individuals affected with RETREG1-related conditions. This variant is not present in population databases (gnomAD no frequency). This sequence change replaces asparagine, which is neutral and polar, with threonine, which is neutral and polar, at codon 320 of the RETREG1 protein (p.Asn320Thr).

NM_001034850.3(RETREG1):c.959A>C (p.Asn320Thr)

Gene: RETREG1 (reticulophagy regulator 1; minus strand). Cytogenetic location: 5p15.1.
Variant type: single nucleotide variant.
Coding change: c.959A>C on transcript NM_001034850.3 (MANE Select); coding-DNA position 959, A replaced by C.
Protein change: p.Asn320Thr; replaces asparagine 320 with threonine.
Molecular consequence: missense variant.
Genome position (GRCh38, 1-based): chr5:16,477,703, T>G on the plus strand (A>C on the coding strand, the complement: RETREG1 is on the minus strand). VCF-style: chr5-16477703-T-G. GRCh37 (hg19) VCF-style: chr5-16477812-T-G.
Other names: c.536A>C, p.Asn179Thr (NM_019000.5); short protein forms N320T, N179T.
Identifiers: ClinVar variation 850800 (VCV000850800.9), dbSNP rs755049105, ClinGen allele CA359257756.